The following is an entry in ClinVar:

ClinVar aggregate classification (germline): Uncertain significance (1 of 4 stars; one submission).

Conditions:
Lethal multiple pterygium syndrome (LMPS). Identifiers: Orphanet 33108, MedGen C1854678, MONDO:0009668, OMIM 253290.

Submission:

Labcorp Genetics (formerly Invitae), Labcorp
Classification: Uncertain significance for Lethal multiple pterygium syndrome. Last evaluated: 2024-03-11. Review status: criteria provided, single submitter. Criteria: Invitae Variant Classification Sherloc (09022015). Collection method: clinical testing. Allele origin: germline.
Comment: This sequence change replaces methionine, which is neutral and non-polar, with threonine, which is neutral and polar, at codon 298 of the CHRNA1 protein (p.Met298Thr). This variant is not present in population databases (gnomAD no frequency). This variant has not been reported in the literature in individuals affected with CHRNA1-related conditions. ClinVar contains an entry for this variant (Variation ID: 658950). Advanced modeling of protein sequence and biophysical properties (such as structural, functional, and spatial information, amino acid conservation, physicochemical variation, residue mobility, and thermodynamic stability) performed at Invitae indicates that this missense variant is not expected to disrupt CHRNA1 protein function with a negative predictive value of 80%. In summary, the available evidence is currently insufficient to determine the role of this variant in disease. Therefore, it has been classified as a Variant of Uncertain Significance.

NM_000079.4(CHRNA1):c.893T>C (p.Met298Thr)

Gene: CHRNA1 (cholinergic receptor nicotinic alpha 1 subunit; minus strand). Cytogenetic location: 2q31.1.
Variant type: single nucleotide variant.
Coding change: c.893T>C on transcript NM_000079.4 (MANE Select); coding-DNA position 893, T replaced by C.
Protein change: p.Met298Thr; replaces methionine 298 with threonine.
Molecular consequence: missense variant.
Genome position (GRCh38, 1-based): chr2:174,750,055, A>G on the plus strand (T>C on the coding strand, the complement: CHRNA1 is on the minus strand). VCF-style: chr2-174750055-A-G. GRCh37 (hg19) VCF-style: chr2-175614783-A-G.
Other names: c.968T>C, p.Met323Thr (NM_001039523.3); short protein forms M298T, M323T.
Identifiers: ClinVar variation 658950 (VCV000658950.10), dbSNP rs1574003598, ClinGen allele CA349336490.